The following is an entry in ClinVar:

NM_000168.6(GLI3):c.3328C>T (p.Gln1110Ter)

Gene: GLI3 (GLI family zinc finger 3; minus strand). Cytogenetic location: 7p14.1.
Variant type: single nucleotide variant.
Coding change: c.3328C>T on transcript NM_000168.6 (MANE Select); coding-DNA position 3328, C replaced by T.
Protein change: p.Gln1110Ter; replaces glutamine 1110 with a stop codon.
Molecular consequence: nonsense.
Genome position (GRCh38, 1-based): chr7:41,965,745, G>A on the plus strand (C>T on the coding strand, the complement: GLI3 is on the minus strand). VCF-style: chr7-41965745-G-A. GRCh37 (hg19) VCF-style: chr7-42005343-G-A.
Other names: short protein forms Q1110*.
Identifiers: ClinVar variation 3358541 (VCV003358541.1).

ClinVar aggregate classification (germline): Pathogenic (0 of 4 stars; one submission).

Conditions:
GLI3-related disorder. Also called: GLI3-related condition; GLI3-related disorders. Identifiers: MedGen CN239292.

Submission:

PreventionGenetics, part of Exact Sciences
Classification: Pathogenic for GLI3-related condition. Last evaluated: 2024-07-25. Review status: no assertion criteria provided. Collection method: clinical testing. Allele origin: germline.
Comment: The GLI3 c.3328C>T variant is predicted to result in premature protein termination (p.Gln1110*). To our knowledge, this variant has not been reported in the literature or in a large population database, indicating this variant is rare. Nonsense variants in GLI3 are expected to be pathogenic. This variant is interpreted as pathogenic.